The following is an entry in ClinVar:

NM_004629.2(FANCG):c.1772del (p.Leu591fs)

Gene: FANCG (FA complementation group G; minus strand). Cytogenetic location: 9p13.3.
Variant type: Deletion.
Coding change: c.1772del on transcript NM_004629.2 (MANE Select); coding-DNA position 1772, one base deleted (T; older notation c.1772delT).
Protein change: p.Leu591fs; shifts the reading frame from leucine 591.
Molecular consequence: frameshift variant.
Genome position (GRCh38, 1-based): chr9:35,074,205, A deleted on the plus strand (T on the coding strand, the reverse complement: FANCG is on the minus strand). VCF-style (leftmost placement, unchanged base first): chr9-35074204-CA-C. GRCh37 (hg19) VCF-style: chr9-35074201-CA-C.
Other names: c.1772del (NM_004629.1); short protein forms L591fs.
Identifiers: ClinVar variation 2136764 (VCV002136764.6), dbSNP rs1563984976, ClinGen allele CA587568808.
Genomic context (GRCh38, chr9:35,074,204, plus strand): 5'-TTCTTCAAGGAAGGCGTCACGATCAGAGGGACGGATCCAGCTCAAATAGCTTTCTAGGTA[CA>C]GGGGGAGAGACCTGGAGAGAAAGAAGGATGATGCCTAAGGGTGAAAGATTGGCAGAAAGC-3'

ClinVar aggregate classification (germline): Conflicting classifications of pathogenicity. Review status: criteria provided, conflicting classifications (1 of 4 stars). 5 submissions from 5 submitters: Likely pathogenic (4); Uncertain significance (1). Last evaluated 2025-08-07.

Conditions:
Fanconi anemia (FA). Also called: Fanconi's anemia. Identifiers: Orphanet 84, MedGen C0015625, MeSH D005199, MONDO:0019391.
Fanconi anemia complementation group G. Also called: Fanconi anemia group G; FANCG-Related Fanconi Anemia. Identifiers: Orphanet 84, MedGen C3469527, MONDO:0013565, OMIM 614082.

Allele frequency attached by ClinVar (database versions not stated): gnomAD exomes below 0.00001; gnomAD 0.00001.

Submissions (5):

Natera, Inc.
Classification: Likely pathogenic for Fanconi anemia group G. Last evaluated: 2025-08-07. Review status: criteria provided, single submitter. Criteria: Natera Variant Classification Schema (03/2026). Collection method: clinical testing. Allele origin: germline.
Comment: The c.1772delT variant in FANCG is a frameshift variant predicted to shift the reading frame beginning at codon 591 and leads to a stop codon 3 codons downstream. This variant is expected to result in nonsense mediated decay, truncation, or a dysfunctional protein product. This variant is rare in the general population with a frequency below the threshold expected for the associated phenotype(s). This variant has been observed in one or more individuals affected with the associated recessive disease, as either homozygous or compound heterozygous with a second variant (PMID: 27041517). Given the available evidence, this variant is classified as Likely Pathogenic.

St. Jude Molecular Pathology, St. Jude Children's Research Hospital
Classification: Likely pathogenic for Fanconi anemia complementation group G. Last evaluated: 2024-11-12. Review status: criteria provided, single submitter. Criteria: St. Jude Assertion Criteria 2020. Collection method: clinical testing. Allele origin: germline.
Comment: The FANCG c.1772del (p.Leu591ArgfsTer3) change deletes one nucleotide to cause a frameshift and the creation of a premature stop codon. This variant is not expected to result in nonsense mediated decay. This variant has been reported in the homozygous state in a patient with Fanconi anemia (PMID: 27041517). At least one downstream protein-truncating variant has been reported in a patient with Fanconi anemia. This variant has a maximum subpopulation frequency of 0.01% in gnomAD v2.1.1. In summary, this variant meets criteria to be classified as likely pathogenic.

Fulgent Genetics
Classification: Likely pathogenic for Fanconi anemia complementation group G. Last evaluated: 2024-03-06. Review status: criteria provided, single submitter. Criteria: ACMG Guidelines, 2015. Collection method: clinical testing. Allele origin: germline.

Baylor Genetics
Classification: Likely pathogenic for Fanconi anemia complementation group G. Last evaluated: 2024-02-28. Review status: criteria provided, single submitter. Criteria: ACMG Guidelines, 2015. Collection method: clinical testing. Allele origin: unknown.

Labcorp Genetics (formerly Invitae), Labcorp
Classification: Uncertain significance for Fanconi anemia. Last evaluated: 2022-09-13. Review status: criteria provided, single submitter. Criteria: Invitae Variant Classification Sherloc (09022015). Collection method: clinical testing. Allele origin: germline.
Comment: This sequence change creates a premature translational stop signal (p.Leu591Argfs*3) in the FANCG gene. While this is not anticipated to result in nonsense mediated decay, it is expected to disrupt the last 32 amino acid(s) of the FANCG protein. This variant is present in population databases (no rsID available, gnomAD 0.01%). This premature translational stop signal has been observed in individual(s) with clinical features of Fanconi anemia (PMID: 27041517). Experimental studies and prediction algorithms are not available or were not evaluated, and the functional significance of this variant is currently unknown. In summary, the available evidence is currently insufficient to determine the role of this variant in disease. Therefore, it has been classified as a Variant of Uncertain Significance.

Literature cited by the submitters: PubMed 27041517 (cited by Natera, Inc. and Labcorp Genetics (formerly Invitae), Labcorp).